The following is an entry in ClinVar:

ClinVar aggregate classification (germline): Uncertain significance (1 of 4 stars; one submission).

Conditions:
Peroxisome biogenesis disorder 2B (PBD2B). Identifiers: Orphanet 44, MedGen C3550234, MONDO:0008736, OMIM 202370.

Allele frequency attached by ClinVar (database versions not stated): gnomAD exomes 0.00001 and 0.00002; ExAC 0.00002; ESP Exome Variant Server 0.00008.
gnomAD v4.1: 19 of 1,614,076 alleles (0.0012%); highest among the groups gnomAD compares: Non-Finnish European, 0.0014%; no homozygotes.

Submission:

Labcorp Genetics (formerly Invitae), Labcorp
Classification: Uncertain significance for Peroxisome biogenesis disorder 2B. Last evaluated: 2022-04-29. Review status: criteria provided, single submitter. Criteria: Invitae Variant Classification Sherloc (09022015). Collection method: clinical testing. Allele origin: germline.
Comment: This sequence change replaces glutamic acid, which is acidic and polar, with alanine, which is neutral and non-polar, at codon 230 of the PEX5 protein (p.Glu230Ala). This variant is present in population databases (rs140292053, gnomAD 0.003%). This variant has not been reported in the literature in individuals affected with PEX5-related conditions. ClinVar contains an entry for this variant (Variation ID: 963780). Algorithms developed to predict the effect of missense changes on protein structure and function (SIFT, PolyPhen-2, Align-GVGD) all suggest that this variant is likely to be tolerated. In summary, the available evidence is currently insufficient to determine the role of this variant in disease. Therefore, it has been classified as a Variant of Uncertain Significance.

NM_001351132.2(PEX5):c.689A>C (p.Glu230Ala)

Gene: PEX5 (peroxisomal biogenesis factor 5; plus strand). Cytogenetic location: 12p13.31.
Variant type: single nucleotide variant.
Coding change: c.689A>C on transcript NM_001351132.2 (MANE Select); coding-DNA position 689, A replaced by C.
Protein change: p.Glu230Ala; replaces glutamic acid 230 with alanine.
Molecular consequence: missense variant. On other transcripts: intron variant (15).
Genome position (GRCh38, 1-based): chr12:7,202,287, A>C. VCF-style: chr12-7202287-A-C. GRCh37 (hg19) VCF-style: chr12-7354883-A-C.
Other names: c.689A>C, p.Glu230Ala (NM_000319.5, NM_001131025.2, NM_001131026.2 and 6 more transcripts); c.734A>C, p.Glu245Ala (NM_001131023.2); c.643-325A>C (NM_001351124.3, NM_001351126.2, NM_001374646.1 and 10 more transcripts); c.688-325A>C (NM_001351135.3, NM_001351138.2); short protein forms E230A, E245A.
Identifiers: ClinVar variation 963780 (VCV000963780.7), dbSNP rs140292053, ClinGen allele CA6426240.
Genomic context (GRCh38, chr12:7,202,287, plus strand): 5'-TCTCTGTGCCCCAGTTCCTGAAATTCGTGCGGCAGATTGGCGAAGGGCAGGTGTCCCTGG[A>C]GTCCGGTGCAGGGTCGGGCCGAGCTCAGGCAGAACAGTGGGCAGCAGAGTTTATACAGCA-3'
Protein context (NP_001338061.1, residues 220-240): RQIGEGQVSL[Glu230Ala]SGAGSGRAQA